The following is an entry in ClinVar:

NM_018993.4(RIN2):c.1580C>T (p.Thr527Ile)

Gene: RIN2 (Ras and Rab interactor 2; plus strand). Cytogenetic location: 20p11.23.
Variant type: single nucleotide variant.
Coding change: c.1580C>T on transcript NM_018993.4 (MANE Select); coding-DNA position 1580, C replaced by T.
Protein change: p.Thr527Ile; replaces threonine 527 with isoleucine.
Molecular consequence: missense variant.
Genome position (GRCh38, 1-based): chr20:19,975,605, C>T. VCF-style: chr20-19975605-C-T. GRCh37 (hg19) VCF-style: chr20-19956249-C-T.
Other names: c.1727C>T, p.Thr576Ile (NM_001242581.2); c.962C>T, p.Thr321Ile (NM_001378238.1); short protein forms T321I, T527I, T576I.
Identifiers: ClinVar variation 1716641 (VCV001716641.5), dbSNP rs2515517922, ClinGen allele CA408363069.

ClinVar aggregate classification (germline): Uncertain significance (1 of 4 stars; one submission).

Allele frequency attached by ClinVar (database versions not stated): gnomAD exomes below 0.00001.
gnomAD v4.1: 1 of 1,613,964 alleles (0.000062%); no homozygotes.

Submission:

Labcorp Genetics (formerly Invitae), Labcorp
Classification: Uncertain significance. Last evaluated: 2023-04-14. Review status: criteria provided, single submitter. Criteria: Invitae Variant Classification Sherloc (09022015). Collection method: clinical testing. Allele origin: germline.
Comment: In summary, the available evidence is currently insufficient to determine the role of this variant in disease. Therefore, it has been classified as a Variant of Uncertain Significance. Experimental studies and prediction algorithms are not available or were not evaluated, and the functional significance of this variant is currently unknown. ClinVar contains an entry for this variant (Variation ID: 1716641). This variant has not been reported in the literature in individuals affected with RIN2-related conditions. This variant is not present in population databases (gnomAD no frequency). This sequence change replaces threonine, which is neutral and polar, with isoleucine, which is neutral and non-polar, at codon 527 of the RIN2 protein (p.Thr527Ile).